The following is an entry in ClinVar:

ClinVar aggregate classification (germline): Uncertain significance. Review status: criteria provided, multiple submitters, no conflicts (2 of 4 stars). 2 submissions from 2 submitters: Uncertain significance (2). Last evaluated 2026-02-09.

Conditions:
Hereditary cancer-predisposing syndrome. Also called: Tumor predisposition; Hereditary Cancer Syndrome; Hereditary neoplastic syndrome; Neoplastic Syndromes, Hereditary. Identifiers: Orphanet 140162, MedGen C0027672, MeSH D009386, MONDO:0015356.
Fanconi anemia complementation group J. Also called: BRIP1-Related Fanconi Anemia. Identifiers: Orphanet 84, MedGen C1836860, MONDO:0012187, OMIM 609054.
Familial cancer of breast. Also called: BREAST CANCER, FAMILIAL; hereditary breast carcinoma; Hereditary breast cancer. Identifiers: Orphanet 227535, MedGen C0346153, MONDO:0016419, OMIM 114480. Disease mechanism: loss of function.

Submissions (2):

Ambry Genetics
Classification: Uncertain significance for Hereditary cancer-predisposing syndrome. Last evaluated: 2026-02-09. Review status: criteria provided, single submitter. Criteria: Ambry Variant Classification Scheme 2023. Collection method: clinical testing. Allele origin: germline.
Comment: The c.2379+5G>A intronic variant results from a G to A substitution 5 nucleotides after coding exon 15 in the BRIP1 gene. This nucleotide position is well conserved in available vertebrate species. In silico splice site analysis predicts that this alteration may weaken the native splice donor site. Based on the available evidence, the clinical significance of this variant remains unclear.

Labcorp Genetics (formerly Invitae), Labcorp
Classification: Uncertain significance for Familial cancer of breast; Fanconi anemia complementation group J. Last evaluated: 2025-09-03. Review status: criteria provided, single submitter. Criteria: Invitae Variant Classification Sherloc (09022015). Collection method: clinical testing. Allele origin: germline.
Comment: This sequence change falls in intron 16 of the BRIP1 gene. It does not directly change the encoded amino acid sequence of the BRIP1 protein. It affects a nucleotide within the consensus splice site. This variant is not present in population databases (gnomAD no frequency). This variant has not been reported in the literature in individuals affected with BRIP1-related conditions. ClinVar contains an entry for this variant (Variation ID: 1790394). Variants that disrupt the consensus splice site are a relatively common cause of aberrant splicing (PMID: 17576681, 9536098). Algorithms developed to predict the effect of sequence changes on RNA splicing suggest that this variant may disrupt the consensus splice site. In summary, the available evidence is currently insufficient to determine the role of this variant in disease. Therefore, it has been classified as a Variant of Uncertain Significance.

Literature cited by the submitters: PubMed 17576681 (cited by Labcorp Genetics (formerly Invitae), Labcorp); PubMed 9536098 (cited by Labcorp Genetics (formerly Invitae), Labcorp).

NM_032043.3(BRIP1):c.2379+5G>A

Gene: BRIP1 (BRCA1 interacting DNA helicase 1; minus strand). Cytogenetic location: 17q23.2.
Variant type: single nucleotide variant.
Coding change: c.2379+5G>A on transcript NM_032043.3 (MANE Select); 5 bases into the intron after coding-DNA position 2379, G replaced by A.
Molecular consequence: intron variant.
Genome position (GRCh38, 1-based): chr17:61,743,008, C>T on the plus strand (G>A on the coding strand, the complement: BRIP1 is on the minus strand). VCF-style: chr17-61743008-C-T. GRCh37 (hg19) VCF-style: chr17-59820369-C-T.
Identifiers: ClinVar variation 1790394 (VCV001790394.4), dbSNP rs1567779316, ClinGen allele CA2269154938.